The following is an entry in ClinVar:

ClinVar aggregate classification (germline): Benign (1 of 4 stars; one submission).

Conditions:
Autosomal dominant nonsyndromic hearing loss 25. Identifiers: Orphanet 90635, MedGen C1854158, MONDO:0011568, OMIM 605583.

Allele frequency attached by ClinVar (database versions not stated): gnomAD 0.02065; TOPMed 0.02372; 1000 Genomes Project 0.02396; 1000 Genomes Project 30x 0.02701.

Submission:

Illumina Laboratory Services, Illumina
Classification: Benign for Autosomal dominant nonsyndromic hearing loss 25. Last evaluated: 2018-01-12. Review status: criteria provided, single submitter. Criteria: ICSL Variant Classification Criteria 13 December 2019. Collection method: clinical testing. Allele origin: germline.
Comment: This variant was observed in the ICSL laboratory as part of a predisposition screen in an ostensibly healthy population. It had not been previously curated by ICSL or reported in the Human Gene Mutation Database (HGMD: prior to June 1st, 2018), and was therefore a candidate for classification through an automated scoring system. Utilizing variant allele frequency, disease prevalence and penetrance estimates, and inheritance mode, an automated score was calculated to assess if this variant is too frequent to cause the disease. Based on the score and internal cut-off values, a variant classified as benign is not then subjected to further curation. The score for this variant resulted in a classification of benign for this disease.

NM_139319.3(SLC17A8):c.*817A>T

Gene: SLC17A8 (solute carrier family 17 member 8; plus strand). Cytogenetic location: 12q23.1.
Variant type: single nucleotide variant.
Coding change: c.*817A>T on transcript NM_139319.3 (MANE Select); 817 bases downstream of the stop codon, A replaced by T.
Molecular consequence: 3 prime UTR variant.
Genome position (GRCh38, 1-based): chr12:100,420,976, A>T. VCF-style: chr12-100420976-A-T. GRCh37 (hg19) VCF-style: chr12-100814754-A-T.
Other names: c.*817A>T (NM_001145288.2).
Identifiers: ClinVar variation 306646 (VCV000306646.5), dbSNP rs56156523, ClinGen allele CA10640562.
Genomic context (GRCh38, chr12:100,420,976, plus strand): 5'-AGACCCTCAGTGTTCTATGTTATCTGAAGAGTCAAATGGTTTTGTGACTCCATAGTTTTT[A>T]AAGTAATAAGGGTCAAAGACTACATCAGAGATTCAAATAGGTTTTTAAAGAAAAGCTAAG-3'